The following is an entry in ClinVar:

ClinVar aggregate classification (germline): Uncertain significance. Review status: criteria provided, multiple submitters, no conflicts (2 of 4 stars). 3 submissions from 3 submitters: Uncertain significance (3). Last evaluated 2024-07-26.

Conditions:
Cardiovascular phenotype. Identifiers: MedGen CN230736.
Brugada syndrome. Also called: Sudden Unexplained Nocturnal Death Syndrome (SUNDS); Sudden Unexplained Death Syndrome; Sudden unexpected nocturnal death syndrome; Sudden unexplained nocturnal death syndrome. Identifiers: Orphanet 130, MedGen C1142166, MONDO:0015263.

Allele frequency attached by ClinVar (database versions not stated): gnomAD 0.00001; TOPMed 0.00002.
gnomAD v4.1: 5 of 1,613,964 alleles (0.00031%); highest among the groups gnomAD compares: African/African-American, 0.004%; no homozygotes.

Submissions (3):

Ambry Genetics
Classification: Uncertain significance for Cardiovascular phenotype. Last evaluated: 2024-07-26. Review status: criteria provided, single submitter. Criteria: Ambry Variant Classification Scheme 2023. Collection method: clinical testing. Allele origin: germline.

Mayo Clinic Laboratories, Mayo Clinic
Classification: Uncertain significance. Last evaluated: 2022-02-04. Review status: criteria provided, single submitter. Criteria: ACMG Guidelines, 2015. Collection method: clinical testing. Allele origin: germline. Observed: 2 variant alleles.

Labcorp Genetics (formerly Invitae), Labcorp
Classification: Uncertain significance for Brugada syndrome. Last evaluated: 2020-04-27. Review status: criteria provided, single submitter. Criteria: Invitae Variant Classification Sherloc (09022015). Collection method: clinical testing. Allele origin: germline.
Comment: In summary, the available evidence is currently insufficient to determine the role of this variant in disease. Therefore, it has been classified as a Variant of Uncertain Significance. Algorithms developed to predict the effect of missense changes on protein structure and function (SIFT, PolyPhen-2, Align-GVGD) all suggest that this variant is likely to be tolerated, but these predictions have not been confirmed by published functional studies and their clinical significance is uncertain. This variant has not been reported in the literature in individuals with SCN10A-related conditions. This variant is not present in population databases (ExAC no frequency). This sequence change replaces threonine with arginine at codon 34 of the SCN10A protein (p.Thr34Arg). The threonine residue is weakly conserved and there is a moderate physicochemical difference between threonine and arginine.

NM_006514.4(SCN10A):c.101C>G (p.Thr34Arg)

Gene: SCN10A (sodium voltage-gated channel alpha subunit 10; minus strand). Cytogenetic location: 3p22.2.
Variant type: single nucleotide variant.
Coding change: c.101C>G on transcript NM_006514.4 (MANE Select); coding-DNA position 101, C replaced by G.
Protein change: p.Thr34Arg; replaces threonine 34 with arginine.
Molecular consequence: missense variant.
Genome position (GRCh38, 1-based): chr3:38,793,910, G>C on the plus strand (C>G on the coding strand, the complement: SCN10A is on the minus strand). VCF-style: chr3-38793910-G-C. GRCh37 (hg19) VCF-style: chr3-38835401-G-C.
Other names: p.Thr34Arg; c.101C>G (NM_006514.2); c.101C>G, p.Thr34Arg (NM_001293306.2, NM_001293307.2); short protein forms T34R.
Identifiers: ClinVar variation 1055297 (VCV001055297.12), dbSNP rs1025338659, ClinGen allele CA72963561.